The following is an entry in ClinVar:

NM_001853.4(COL9A3):c.949C>A (p.Gln317Lys)

Gene: COL9A3 (collagen type IX alpha 3 chain; plus strand). Cytogenetic location: 20q13.33.
Variant type: single nucleotide variant.
Coding change: c.949C>A on transcript NM_001853.4 (MANE Select); coding-DNA position 949, C replaced by A.
Protein change: p.Gln317Lys; replaces glutamine 317 with lysine.
Molecular consequence: missense variant.
Genome position (GRCh38, 1-based): chr20:62,828,812, C>A. VCF-style: chr20-62828812-C-A. GRCh37 (hg19) VCF-style: chr20-61460164-C-A.
Other names: short protein forms Q317K.
Identifiers: ClinVar variation 1498454 (VCV001498454.8), dbSNP rs1346734695, ClinGen allele CA409593107.

ClinVar aggregate classification (germline): Uncertain significance (1 of 4 stars; one submission).

Allele frequency attached by ClinVar (database versions not stated): gnomAD 0.00001.
gnomAD v4.1: 1 of 1,612,822 alleles (0.000062%); highest among the groups gnomAD compares: African/African-American, 0.0013%; no homozygotes.

Submission:

Labcorp Genetics (formerly Invitae), Labcorp
Classification: Uncertain significance. Last evaluated: 2021-04-17. Review status: criteria provided, single submitter. Criteria: Invitae Variant Classification Sherloc (09022015). Collection method: clinical testing. Allele origin: germline.
Comment: This sequence change replaces glutamine with lysine at codon 317 of the COL9A3 protein (p.Gln317Lys). The glutamine residue is weakly conserved and there is a small physicochemical difference between glutamine and lysine. This variant is not present in population databases (ExAC no frequency). This variant has not been reported in the literature in individuals with COL9A3-related conditions. Advanced modeling of protein sequence and biophysical properties (such as structural, functional, and spatial information, amino acid conservation, physicochemical variation, residue mobility, and thermodynamic stability) performed at Invitae indicates that this missense variant is not expected to disrupt COL9A3 protein function. In summary, the available evidence is currently insufficient to determine the role of this variant in disease. Therefore, it has been classified as a Variant of Uncertain Significance.